The following is an entry in ClinVar:

NM_018713.3(SLC30A10):c.899A>G (p.Lys300Arg)

Gene: SLC30A10 (solute carrier family 30 member 10; minus strand). Cytogenetic location: 1q41.
Variant type: single nucleotide variant.
Coding change: c.899A>G on transcript NM_018713.3 (MANE Select); coding-DNA position 899, A replaced by G.
Protein change: p.Lys300Arg; replaces lysine 300 with arginine.
Molecular consequence: missense variant. On other transcripts: non-coding transcript variant (2).
Genome position (GRCh38, 1-based): chr1:219,918,314, T>C on the plus strand (A>G on the coding strand, the complement: SLC30A10 is on the minus strand). VCF-style: chr1-219918314-T-C. GRCh37 (hg19) VCF-style: chr1-220091656-T-C.
Other names: c.710A>G, p.Lys237Arg (NM_001376929.1); c.899A>G (NM_018713.2); short protein forms K237R, K300R.
Identifiers: ClinVar variation 1359286 (VCV001359286.6), dbSNP rs376599710, ClinGen allele CA1399216.

ClinVar aggregate classification (germline): Uncertain significance. Review status: criteria provided, multiple submitters, no conflicts (2 of 4 stars). 3 submissions from 3 submitters: Uncertain significance (3). Last evaluated 2026-03-04.

Conditions:
Inborn genetic diseases. Identifiers: MedGen C0950123, MeSH D030342.

Allele frequency attached by ClinVar (database versions not stated): gnomAD 0.00001; TOPMed 0.00001; ExAC 0.00002; gnomAD exomes 0.00002 and 0.00003; ESP Exome Variant Server 0.00008.
gnomAD v4.1: 41 of 1,614,024 alleles (0.0025%); highest among the groups gnomAD compares: Non-Finnish European, 0.0031%; no homozygotes.

Submissions (3):

GeneDx
Classification: Uncertain significance. Last evaluated: 2026-03-04. Review status: criteria provided, single submitter. Criteria: GeneDx Variant Classification Process June 2021. Collection method: clinical testing. Allele origin: germline.
Comment: Not observed at significant frequency in large population cohorts (gnomAD); In silico analysis suggests that this missense variant does not alter protein structure/function; Has not been previously published as pathogenic or benign to our knowledge; In silico analysis suggests this variant may impact gene splicing. In the absence of RNA/functional studies, the actual effect of this sequence change is unknown.

Ambry Genetics
Classification: Uncertain significance for Inborn genetic diseases. Last evaluated: 2025-06-11. Review status: criteria provided, single submitter. Criteria: Ambry Variant Classification Scheme 2023. Collection method: clinical testing. Allele origin: germline.

Labcorp Genetics (formerly Invitae), Labcorp
Classification: Uncertain significance. Last evaluated: 2022-08-09. Review status: criteria provided, single submitter. Criteria: Invitae Variant Classification Sherloc (09022015). Collection method: clinical testing. Allele origin: germline.
Comment: In summary, the available evidence is currently insufficient to determine the role of this variant in disease. Therefore, it has been classified as a Variant of Uncertain Significance. Algorithms developed to predict the effect of sequence changes on RNA splicing suggest that this variant may create or strengthen a splice site. Algorithms developed to predict the effect of missense changes on protein structure and function are either unavailable or do not agree on the potential impact of this missense change (SIFT: "Tolerated"; PolyPhen-2: "Possibly Damaging"; Align-GVGD: "Class C0"). ClinVar contains an entry for this variant (Variation ID: 1359286). This variant has not been reported in the literature in individuals affected with SLC30A10-related conditions. This variant is present in population databases (rs376599710, gnomAD 0.004%). This sequence change replaces lysine, which is basic and polar, with arginine, which is basic and polar, at codon 300 of the SLC30A10 protein (p.Lys300Arg).